The following is an entry in ClinVar:

NM_032383.5(HPS3):c.290A>G (p.Lys97Arg)

Gene: HPS3 (HPS3 biogenesis of lysosomal organelles complex 2 subunit 1; plus strand). Cytogenetic location: 3q24.
Variant type: single nucleotide variant.
Coding change: c.290A>G on transcript NM_032383.5 (MANE Select); coding-DNA position 290, A replaced by G.
Protein change: p.Lys97Arg; replaces lysine 97 with arginine.
Molecular consequence: missense variant. On other transcripts: intron variant (1).
Genome position (GRCh38, 1-based): chr3:149,140,076, A>G. VCF-style: chr3-149140076-A-G. GRCh37 (hg19) VCF-style: chr3-148857863-A-G.
Other names: c.218-941A>G (NM_001308258.2); short protein forms K97R.
Identifiers: ClinVar variation 1395161 (VCV001395161.3), dbSNP rs1433830218, ClinGen allele CA354910526.

ClinVar aggregate classification (germline): Uncertain significance (1 of 4 stars; one submission).

Allele frequency attached by ClinVar (database versions not stated): gnomAD exomes below 0.00001; gnomAD 0.00001; TOPMed 0.00001.
gnomAD v4.1: 4 of 1,612,742 alleles (0.00025%); highest among the groups gnomAD compares: Non-Finnish European, 0.00034%; no homozygotes.

Submission:

Labcorp Genetics (formerly Invitae), Labcorp
Classification: Uncertain significance. Last evaluated: 2021-09-03. Review status: criteria provided, single submitter. Criteria: Invitae Variant Classification Sherloc (09022015). Collection method: clinical testing. Allele origin: germline.
Comment: This sequence change replaces lysine with arginine at codon 97 of the HPS3 protein (p.Lys97Arg). The lysine residue is weakly conserved and there is a small physicochemical difference between lysine and arginine. This variant is not present in population databases (ExAC no frequency). This variant has not been reported in the literature in individuals affected with HPS3-related conditions. Algorithms developed to predict the effect of missense changes on protein structure and function output the following: SIFT: "Tolerated"; PolyPhen-2: "Probably Damaging"; Align-GVGD: "Class C0". The arginine amino acid residue is found in multiple mammalian species, which suggests that this missense change does not adversely affect protein function. In summary, the available evidence is currently insufficient to determine the role of this variant in disease. Therefore, it has been classified as a Variant of Uncertain Significance.